The following is an entry in ClinVar:

ClinVar aggregate classification (germline): Pathogenic/Likely pathogenic. Review status: criteria provided, multiple submitters, no conflicts (2 of 4 stars). 4 submissions from 4 submitters: Pathogenic (2); Likely pathogenic (2). Last evaluated 2022-05-12.

Conditions:
Hereditary breast ovarian cancer syndrome. Also called: Hereditary breast and ovarian cancer syndrome; BRCA1- and BRCA2-Associated Hereditary Breast and Ovarian Cancer; Hereditary breast and ovarian cancer syndrome (HBOC); Hereditary breast and/or ovarian cancer syndrome; Breast and ovarian cancer; Hereditary breast and ovarian cancer. Identifiers: Orphanet 145, MedGen C0677776, MeSH D061325, MONDO:0003582. Disease mechanism: loss of function.
Hereditary cancer-predisposing syndrome. Also called: Hereditary neoplastic syndrome; Neoplastic Syndromes, Hereditary; Tumor predisposition; Hereditary Cancer Syndrome. Identifiers: Orphanet 140162, MedGen C0027672, MeSH D009386, MONDO:0015356.

Submissions (4):

Labcorp Genetics (formerly Invitae), Labcorp
Classification: Pathogenic for Hereditary breast ovarian cancer syndrome. Last evaluated: 2022-05-12. Review status: criteria provided, single submitter. Criteria: Invitae Variant Classification Sherloc (09022015). Collection method: clinical testing. Allele origin: germline.
Comment: For these reasons, this variant has been classified as Pathogenic. This variant has not been reported in the literature in individuals affected with BRCA2-related conditions. This variant is not present in population databases (gnomAD no frequency). This sequence change creates a premature translational stop signal (p.Leu2573Metfs*10) in the BRCA2 gene. It is expected to result in an absent or disrupted protein product. Loss-of-function variants in BRCA2 are known to be pathogenic (PMID: 20104584).

Women's Health and Genetics/Laboratory Corporation of America, LabCorp
Classification: Likely pathogenic for Hereditary breast ovarian cancer syndrome. Last evaluated: 2022-04-06. Review status: criteria provided, single submitter. Criteria: LabCorp Variant Classification Summary - May 2015. Collection method: clinical testing. Allele origin: germline.
Comment: Variant summary: BRCA2 c.7717_7718delTT (p.Leu2573MetfsX10) results in a premature termination codon, predicted to cause a truncation of the encoded protein or absence of the protein due to nonsense mediated decay, which are commonly known mechanisms for disease. Truncations downstream of this position have been classified as pathogenic by our laboratory. The variant was absent in 251382 control chromosomes. c.7717_7718delTT has been reported in the literature in at-least one individual affected with ovarian cancer enrolled in a prospective cohort study investigating the feasibility of NGS-based pre-screening to identify genomic alterations in patients considering entry into phase I clinical trials (example, Tanabe_2016). To our knowledge, no experimental evidence demonstrating an impact on protein function has been reported. No clinical diagnostic laboratories have submitted clinical-significance assessments for this variant to ClinVar after 2014. Based on the evidence outlined above, the variant was classified as likely pathogenic.

Ambry Genetics
Classification: Pathogenic for Hereditary cancer-predisposing syndrome. Last evaluated: 2022-03-17. Review status: criteria provided, single submitter. Criteria: Ambry Variant Classification Scheme 2023. Collection method: clinical testing. Allele origin: germline.
Comment: The c.7717_7718delTT pathogenic mutation, located in coding exon 15 of the BRCA2 gene, results from a deletion of two nucleotides at nucleotide positions 7717 to 7718, causing a translational frameshift with a predicted alternate stop codon (p.L2573Mfs*10). This variant is considered to be rare based on population cohorts in the Genome Aggregation Database (gnomAD). This alteration is expected to result in loss of function by premature protein truncation or nonsense-mediated mRNA decay. As such, this alteration is interpreted as a disease-causing mutation.

Sema4
Classification: Likely pathogenic for Hereditary cancer-predisposing syndrome. Last evaluated: 2021-06-19. Review status: criteria provided, single submitter. Criteria: Sema4 Curation Guidelines. Collection method: curation. Allele origin: germline.
Comment: To the best of our knowledge, the BRCA2 c.7717_7718del (p.L2573MfsX10) variant has not been reported in individuals with BRCA2-related disease. This variant causes a frameshift at amino acid 2573 that results in premature termination 10 amino acids downstream. At this location, nonsense-mediated decay is predicted to occur, resulting in an absent protein (loss of function). Loss of function variants in BRCA2 are known to be pathogenic (PMID: 29446198). This variant is not reported in the population database Genome Aggregation Database (PMID: 32461654). This variant has not been reported in ClinVar. Based on the current evidence available, this variant is interpreted as likely pathogenic.

Literature cited by the submitters: PubMed 20104584 (cited by Labcorp Genetics (formerly Invitae), Labcorp); PubMed 27852271 (cited by Women's Health and Genetics/Laboratory Corporation of America, LabCorp); PubMed 29446198 (cited by Sema4).

NM_000059.4(BRCA2):c.7717_7718del (p.Leu2573fs)

Gene: BRCA2 (BRCA2 DNA repair associated; plus strand). Cytogenetic location: 13q13.1.
Variant type: Deletion.
Coding change: c.7717_7718del on transcript NM_000059.4 (MANE Select); coding-DNA positions 7717 to 7718, 2 bases deleted (TT; older notation c.7717_7718delTT).
Protein change: p.Leu2573fs; shifts the reading frame from leucine 2573.
Molecular consequence: frameshift variant.
Genome position (GRCh38, 1-based): chr13:32,357,841-32,357,842, TT deleted; deleting any 2 consecutive bases within chr13:32,357,840-32,357,842 gives the same sequence; the c. name uses the placement nearest the transcript's 3' end. VCF-style (leftmost placement, unchanged base first): chr13-32357839-GTT-G. GRCh37 (hg19) VCF-style: chr13-32931976-GTT-G.
Other names: short protein forms L2573fs.
Identifiers: ClinVar variation 1683361 (VCV001683361.9), dbSNP rs2137567005, ClinGen allele CA2573149410.